The following is an entry in ClinVar:

ClinVar aggregate classification (germline): Likely benign. Review status: criteria provided, multiple submitters, no conflicts (2 of 4 stars). 3 submissions from 3 submitters: Likely benign (3). Last evaluated 2025-05-25.

Conditions:
INVS-related disorder. Also called: INVS-related condition.
Nephronophthisis. Also called: Juvenile Nephronophthisis. Identifiers: Orphanet 655, MedGen C0687120, MONDO:0019005, HP:0000090.

Allele frequency attached by ClinVar (database versions not stated): gnomAD 0.00001; gnomAD exomes 0.00002; TOPMed 0.00003; ExAC 0.00004.
gnomAD v4.1: 37 of 1,613,872 alleles (0.0023%); highest among the groups gnomAD compares: Middle Eastern, 0.033%; no homozygotes.

Submissions (3):

Labcorp Genetics (formerly Invitae), Labcorp
Classification: Likely benign for Nephronophthisis. Last evaluated: 2025-05-25. Review status: criteria provided, single submitter. Criteria: Invitae Variant Classification Sherloc (09022015). Collection method: clinical testing. Allele origin: germline.

PreventionGenetics, part of Exact Sciences
Classification: Likely benign for INVS-related condition. Last evaluated: 2025-05-14. Review status: criteria provided, single submitter. Criteria: ACMG Guidelines, 2015. Collection method: clinical testing. Allele origin: germline.
Comment: This variant is classified as likely benign based on ACMG/AMP sequence variant interpretation guidelines (Richards et al. 2015 PMID: 25741868, with internal and published modifications).

Blueprint Genetics
Classification: Likely benign. Last evaluated: 2024-09-30. Review status: criteria provided, single submitter. Criteria: ACMG Guidelines, 2015. Collection method: clinical testing. Allele origin: germline.

NM_014425.5(INVS):c.366C>T (p.Thr122=)

Gene: INVS (inversin; plus strand). Cytogenetic location: 9q31.1.
Variant type: single nucleotide variant.
Coding change: c.366C>T on transcript NM_014425.5 (MANE Select); coding-DNA position 366, C replaced by T.
Protein change: p.Thr122=; no amino-acid change (threonine 122 retained).
Molecular consequence: synonymous variant. On other transcripts: 5 prime UTR variant (1), non-coding transcript variant (1).
Genome position (GRCh38, 1-based): chr9:100,226,154, C>T. VCF-style: chr9-100226154-C-T. GRCh37 (hg19) VCF-style: chr9-102988436-C-T.
Other names: c.78C>T, p.Thr26= (NM_001318381.2); c.-624C>T (NM_001318382.2); c.366C>T (NM_014425.4).
Identifiers: ClinVar variation 2167516 (VCV002167516.6), dbSNP rs747606826, ClinGen allele CA5158145.